The following is an entry in ClinVar:

NM_001105206.3(LAMA4):c.742T>C (p.Cys248Arg)

Gene: LAMA4 (laminin subunit alpha 4; minus strand). Cytogenetic location: 6q21.
Variant type: single nucleotide variant.
Coding change: c.742T>C on transcript NM_001105206.3 (MANE Select); coding-DNA position 742, T replaced by C.
Protein change: p.Cys248Arg; replaces cysteine 248 with arginine.
Molecular consequence: missense variant.
Genome position (GRCh38, 1-based): chr6:112,189,182, A>G on the plus strand (T>C on the coding strand, the complement: LAMA4 is on the minus strand). VCF-style: chr6-112189182-A-G. GRCh37 (hg19) VCF-style: chr6-112510384-A-G.
Other names: c.742T>C, p.Cys248Arg (NM_001105207.3, NM_002290.5); short protein forms C248R.
Identifiers: ClinVar variation 2199358 (VCV002199358.5), dbSNP rs2547145479, ClinGen allele CA365376837.

ClinVar aggregate classification (germline): Uncertain significance. Review status: criteria provided, multiple submitters, no conflicts (2 of 4 stars). 2 submissions from 2 submitters: Uncertain significance (2). Last evaluated 2025-07-22.

Conditions:
Cardiovascular phenotype. Identifiers: MedGen CN230736.
Dilated cardiomyopathy 1JJ (CMD1JJ). Identifiers: Orphanet 154, MedGen C3808935, MONDO:0014095, OMIM 615235.

Allele frequency attached by ClinVar (database versions not stated): gnomAD exomes below 0.00001.
gnomAD v4.1: 2 of 1,614,070 alleles (0.00012%); highest among the groups gnomAD compares: Non-Finnish European, 0.00017%; no homozygotes.

Submissions (2):

Ambry Genetics
Classification: Uncertain significance for Cardiovascular phenotype. Last evaluated: 2025-07-22. Review status: criteria provided, single submitter. Criteria: Ambry Variant Classification Scheme 2023. Collection method: clinical testing. Allele origin: germline.
Comment: The p.C248R variant (also known as c.742T>C), located in coding exon 6 of the LAMA4 gene, results from a T to C substitution at nucleotide position 742. The cysteine at codon 248 is replaced by arginine, an amino acid with highly dissimilar properties. This amino acid position is conserved. In addition, this alteration is predicted to be deleterious by in silico analysis. Based on the available evidence, the clinical significance of this variant remains unclear.

Labcorp Genetics (formerly Invitae), Labcorp
Classification: Uncertain significance for Dilated cardiomyopathy 1JJ. Last evaluated: 2025-07-14. Review status: criteria provided, single submitter. Criteria: Invitae Variant Classification Sherloc (09022015). Collection method: clinical testing. Allele origin: germline.
Comment: This sequence change replaces cysteine, which is neutral and slightly polar, with arginine, which is basic and polar, at codon 248 of the LAMA4 protein (p.Cys248Arg). This variant is not present in population databases (gnomAD no frequency). This variant has not been reported in the literature in individuals affected with LAMA4-related conditions. ClinVar contains an entry for this variant (Variation ID: 2199358). An algorithm developed to predict the effect of missense changes on protein structure and function (PolyPhen-2) suggests that this variant is likely to be disruptive. In summary, the available evidence is currently insufficient to determine the role of this variant in disease. Therefore, it has been classified as a Variant of Uncertain Significance.